The following is an entry in ClinVar:

NM_017654.4(SAMD9):c.2638del (p.Glu880fs)

Gene: SAMD9 (sterile alpha motif domain containing 9; minus strand). Cytogenetic location: 7q21.2.
Variant type: Deletion.
Coding change: c.2638del on transcript NM_017654.4 (MANE Select); coding-DNA position 2638, one base deleted (G; older notation c.2638delG).
Protein change: p.Glu880fs; shifts the reading frame from glutamic acid 880.
Molecular consequence: frameshift variant.
Genome position (GRCh38, 1-based): chr7:93,103,460, C deleted on the plus strand (G on the coding strand, the reverse complement: SAMD9 is on the minus strand). VCF-style (leftmost placement, unchanged base first): chr7-93103459-TC-T. GRCh37 (hg19) VCF-style: chr7-92732772-TC-T.
Other names: c.2638del, p.Glu880fs (NM_001193307.2); short protein forms E880fs.
Identifiers: ClinVar variation 4529520 (VCV004529520.1).

ClinVar aggregate classification (germline): Uncertain significance (1 of 4 stars; one submission).

Submission:

GeneDx
Classification: Uncertain significance. Last evaluated: 2025-05-14. Review status: criteria provided, single submitter. Criteria: GeneDx Variant Classification Process June 2021. Collection method: clinical testing. Allele origin: germline. Affected: yes.
Comment: Not observed at significant frequency in large population cohorts (gnomAD); Has not been previously published as pathogenic or benign to our knowledge; Frameshift variant predicted to result in abnormal protein length as the last 710 amino acid(s) are replaced with 6 different amino acid(s) with an unclear effect on protein function; This variant is associated with the following publications: (PMID: 28545555)